The following is an entry in ClinVar:

NM_032638.5(GATA2):c.778T>C (p.Tyr260His)

Gene: GATA2 (GATA binding protein 2; minus strand). Cytogenetic location: 3q21.3.
Variant type: single nucleotide variant.
Coding change: c.778T>C on transcript NM_032638.5 (MANE Select); coding-DNA position 778, T replaced by C.
Protein change: p.Tyr260His; replaces tyrosine 260 with histidine.
Molecular consequence: missense variant.
Genome position (GRCh38, 1-based): chr3:128,485,820, A>G on the plus strand (T>C on the coding strand, the complement: GATA2 is on the minus strand). VCF-style: chr3-128485820-A-G. GRCh37 (hg19) VCF-style: chr3-128204663-A-G.
Other names: c.778T>C (NM_032638.4); c.778T>C, p.Tyr260His (NM_001145661.2, NM_001145662.1); short protein forms Y260H.
Identifiers: ClinVar variation 1484920 (VCV001484920.7), dbSNP rs2107671963, ClinGen allele CA354405951.

ClinVar aggregate classification (germline): Uncertain significance. Review status: criteria provided, multiple submitters, no conflicts (2 of 4 stars). 2 submissions from 2 submitters: Uncertain significance (2). Last evaluated 2024-12-08.

Conditions:
Inborn genetic diseases. Identifiers: MedGen C0950123, MeSH D030342.
Monocytopenia with susceptibility to infections. Also called: IMMUNODEFICIENCY 21; GATA2 DEFICIENCY; MONOCYTOPENIA AND MYCOBACTERIAL INFECTION SYNDROME; MONOCYTOPENIA WITH SUSCEPTIBILITY TO MYCOBACTERIAL, FUNGAL, AND PAPILLOMAVIRUS INFECTIONS AND MYELODYSPLASIA; COMBINED IMMUNODEFICIENCY WITH SUSCEPTIBILITY TO MYCOBACTERIAL, VIRAL, AND FUNGAL INFECTIONS; Dendritic cell, monocyte, B lymphocyte, and natural killer lymphocyte deficiency. Identifiers: Orphanet 228423, MedGen C3280030, MONDO:0013607, OMIM 614172.
Deafness-lymphedema-leukemia syndrome. Also called: Emberger syndrome; Lymphedema, primary, with myelodysplasia. Identifiers: Orphanet 3226, MedGen C3279664, MONDO:0013540, OMIM 614038.

Submissions (2):

Ambry Genetics
Classification: Uncertain significance for Inborn genetic diseases. Last evaluated: 2024-12-08. Review status: criteria provided, single submitter. Criteria: Ambry Variant Classification Scheme 2023. Collection method: clinical testing. Allele origin: germline.
Comment: The p.Y260H variant (also known as c.778T>C), located in coding exon 2 of the GATA2 gene, results from a T to C substitution at nucleotide position 778. The tyrosine at codon 260 is replaced by histidine, an amino acid with similar properties. This amino acid position is conserved. In addition, this alteration is predicted to be deleterious by in silico analysis. Based on the available evidence, the clinical significance of this variant remains unclear.

Labcorp Genetics (formerly Invitae), Labcorp
Classification: Uncertain significance for Monocytopenia with susceptibility to infections; Deafness-lymphedema-leukemia syndrome. Last evaluated: 2023-10-20. Review status: criteria provided, single submitter. Criteria: Invitae Variant Classification Sherloc (09022015). Collection method: clinical testing. Allele origin: germline.
Comment: This sequence change replaces tyrosine, which is neutral and polar, with histidine, which is basic and polar, at codon 260 of the GATA2 protein (p.Tyr260His). This variant is not present in population databases (gnomAD no frequency). This variant has not been reported in the literature in individuals affected with GATA2-related conditions. ClinVar contains an entry for this variant (Variation ID: 1484920). Advanced modeling of protein sequence and biophysical properties (such as structural, functional, and spatial information, amino acid conservation, physicochemical variation, residue mobility, and thermodynamic stability) has been performed at Invitae for this missense variant, however the output from this modeling did not meet the statistical confidence thresholds required to predict the impact of this variant on GATA2 protein function. In summary, the available evidence is currently insufficient to determine the role of this variant in disease. Therefore, it has been classified as a Variant of Uncertain Significance.